The following is an entry in ClinVar:

NM_001080449.3(DNA2):c.2209-14T>A

Gene: DNA2 (DNA replication helicase/nuclease 2; minus strand). Cytogenetic location: 10q21.3.
Variant type: single nucleotide variant.
Coding change: c.2209-14T>A on transcript NM_001080449.3 (MANE Select); 14 bases into the intron before coding-DNA position 2209, T replaced by A.
Molecular consequence: intron variant.
Genome position (GRCh38, 1-based): chr10:68,422,904, A>T on the plus strand (T>A on the coding strand, the complement: DNA2 is on the minus strand). VCF-style: chr10-68422904-A-T. GRCh37 (hg19) VCF-style: chr10-70182661-A-T.
Identifiers: ClinVar variation 2034031 (VCV002034031.4), dbSNP rs2493904585, ClinGen allele CA2580081743.
Genomic context (GRCh38, chr10:68,422,904, plus strand): 5'-GAAAATATTGGATGGTTTATTCCCATACATGTTGTTGCAACTATAAGCTAAAAACAAGGA[A>T]AACAGATCAGTTATTTAACATGTAAAAGAAATGTAGTTTTGTTTCTCTCATTTTTGAAAT-3'

ClinVar aggregate classification (germline): Uncertain significance (1 of 4 stars; one submission).

Submission:

Labcorp Genetics (formerly Invitae), Labcorp
Classification: Uncertain significance. Last evaluated: 2022-10-04. Review status: criteria provided, single submitter. Criteria: Invitae Variant Classification Sherloc (09022015). Collection method: clinical testing. Allele origin: germline.
Comment: This sequence change falls in intron 14 of the DNA2 gene. It does not directly change the encoded amino acid sequence of the DNA2 protein. This variant is not present in population databases (gnomAD no frequency). This variant has not been reported in the literature in individuals affected with DNA2-related conditions. Algorithms developed to predict the effect of sequence changes on RNA splicing suggest that this variant may disrupt the consensus splice site. In summary, the available evidence is currently insufficient to determine the role of this variant in disease. Therefore, it has been classified as a Variant of Uncertain Significance.